The following is an entry in ClinVar:

ClinVar aggregate classification (germline): Uncertain significance (1 of 4 stars; one submission).

Submission:

Labcorp Genetics (formerly Invitae), Labcorp
Classification: Uncertain significance. Last evaluated: 2022-05-10. Review status: criteria provided, single submitter. Criteria: Invitae Variant Classification Sherloc (09022015). Collection method: clinical testing. Allele origin: germline.
Comment: This sequence change affects codon 167 of the TPP1 mRNA. It is a 'silent' change, meaning that it does not change the encoded amino acid sequence of the TPP1 protein. This variant is not present in population databases (gnomAD no frequency). This variant has not been reported in the literature in individuals affected with TPP1-related conditions. Algorithms developed to predict the effect of sequence changes on RNA splicing suggest that this variant may disrupt the consensus splice site. In summary, the available evidence is currently insufficient to determine the role of this variant in disease. Therefore, it has been classified as a Variant of Uncertain Significance.

NM_000391.4(TPP1):c.501G>A (p.Val167=)

Gene: TPP1 (tripeptidyl peptidase 1; minus strand). Cytogenetic location: 11p15.4.
Variant type: single nucleotide variant.
Coding change: c.501G>A on transcript NM_000391.4 (MANE Select); coding-DNA position 501, G replaced by A.
Protein change: p.Val167=; no amino-acid change (valine 167 retained).
Molecular consequence: synonymous variant.
Genome position (GRCh38, 1-based): chr11:6,617,308, C>T on the plus strand (G>A on the coding strand, the complement: TPP1 is on the minus strand). VCF-style: chr11-6617308-C-T. GRCh37 (hg19) VCF-style: chr11-6638539-C-T.
Identifiers: ClinVar variation 1992621 (VCV001992621.4), dbSNP rs2493799793, ClinGen allele CA472922894.
Genomic context (GRCh38, chr11:6,617,308, plus strand): 5'-CCTCAGCCCCTGGATCTGTGTGCCCCAACCCCCATTCACCCCATAGGTGTTACCAAAGTC[C>T]ACATGGGGGGCCAAGGCCTGTGGAAGCTGGTAGGGATGTGGGGACCTTACAACATGGGTT-3'
Protein context (NP_000382.3, residues 157-177): YQLPQALAPH[Val167=]DFVGGLHRFP